The following is an entry in ClinVar:

ClinVar aggregate classification (germline): Uncertain significance (1 of 4 stars; one submission).

Submission:

Labcorp Genetics (formerly Invitae), Labcorp
Classification: Uncertain significance. Last evaluated: 2024-12-04. Review status: criteria provided, single submitter. Criteria: Invitae Variant Classification Sherloc (09022015). Collection method: clinical testing. Allele origin: germline.
Comment: This sequence change falls in intron 19 of the MYH3 gene. It does not directly change the encoded amino acid sequence of the MYH3 protein. Information on the frequency of this variant in the gnomAD database is not available, as this variant may be reported differently in the database. This variant has not been reported in the literature in individuals affected with MYH3-related conditions. ClinVar contains an entry for this variant (Variation ID: 2718803). Experimental studies and prediction algorithms are not available or were not evaluated, and the effect of this variant on mRNA splicing is currently unknown. In summary, the available evidence is currently insufficient to determine the role of this variant in disease. Therefore, it has been classified as a Variant of Uncertain Significance.

NM_002470.4(MYH3):c.2166-16_2166-15inv

Gene: MYH3 (myosin heavy chain 3; minus strand). Cytogenetic location: 17p13.1.
Variant type: Inversion.
Coding change: c.2166-16_2166-15inv on transcript NM_002470.4 (MANE Select).
Molecular consequence: intron variant.
Genome position: GRCh38 VCF-style: chr17-10640701-TG-CA. GRCh37 (hg19) VCF-style: chr17-10544018-TG-CA.
Identifiers: ClinVar variation 2718803 (VCV002718803.3), ClinGen allele CA2697559425.
Genomic context (GRCh38, chr17:10,640,701, plus strand): 5'-AATGAATTGTCCCTCAGGGATTGCACTGGCATTCAGCACTCGGTATCTGCATTGTAGACA[TG>CA]GAAATCATCACAGACTGTTGGCAAAGACACAAACCTTGGAGAACATGTAGTTCAGGCCTC-3'